The following is an entry in ClinVar:

ClinVar aggregate classification (germline): Uncertain significance. Review status: criteria provided, multiple submitters, no conflicts (2 of 4 stars). 2 submissions from 2 submitters: Uncertain significance (2). Last evaluated 2024-01-09.

Conditions:
Intellectual disability, CASK-related, X-linked. Identifiers: MedGen CN043158.

Submissions (2):

Labcorp Genetics (formerly Invitae), Labcorp
Classification: Uncertain significance for Intellectual disability, CASK-related, X-linked. Last evaluated: 2024-01-09. Review status: criteria provided, single submitter. Criteria: Invitae Variant Classification Sherloc (09022015). Collection method: clinical testing. Allele origin: germline.
Comment: This sequence change replaces alanine, which is neutral and non-polar, with threonine, which is neutral and polar, at codon 828 of the CASK protein (p.Ala828Thr). This variant is not present in population databases (gnomAD no frequency). This variant has not been reported in the literature in individuals affected with CASK-related conditions. ClinVar contains an entry for this variant (Variation ID: 1313197). Advanced modeling of protein sequence and biophysical properties (such as structural, functional, and spatial information, amino acid conservation, physicochemical variation, residue mobility, and thermodynamic stability) has been performed at Invitae for this missense variant, however the output from this modeling did not meet the statistical confidence thresholds required to predict the impact of this variant on CASK protein function. In summary, the available evidence is currently insufficient to determine the role of this variant in disease. Therefore, it has been classified as a Variant of Uncertain Significance.

GeneDx
Classification: Uncertain significance. Last evaluated: 2021-05-25. Review status: criteria provided, single submitter. Criteria: GeneDx Variant Classification Process June 2021. Collection method: clinical testing. Allele origin: germline. Affected: yes.
Comment: Not observed in large population cohorts (Lek et al., 2016); In silico analysis supports that this missense variant has a deleterious effect on protein structure/function; Has not been previously published as pathogenic or benign to our knowledge

NM_001367721.1(CASK):c.2497G>A (p.Ala833Thr)

Gene: CASK (calcium/calmodulin dependent serine protein kinase; minus strand). Cytogenetic location: Xp11.4.
Variant type: single nucleotide variant.
Coding change: c.2497G>A on transcript NM_001367721.1 (MANE Select); coding-DNA position 2497, G replaced by A.
Protein change: p.Ala833Thr; replaces alanine 833 with threonine.
Molecular consequence: missense variant.
Genome position (GRCh38, 1-based): chrX:41,531,030, C>T on the plus strand (G>A on the coding strand, the complement: CASK is on the minus strand). VCF-style: chrX-41531030-C-T. GRCh37 (hg19) VCF-style: chrX-41390283-C-T.
Other names: c.2413G>A, p.Ala805Thr (NM_001126054.3); c.2410G>A, p.Ala804Thr (NM_001126055.3); c.2479G>A, p.Ala827Thr (NM_001410745.1); c.2482G>A, p.Ala828Thr (NM_003688.4); short protein forms A804T, A805T, A828T, A833T, A827T.
Identifiers: ClinVar variation 1313197 (VCV001313197.5), dbSNP rs1569288273, ClinGen allele CA412989986.
Genomic context (GRCh38, chrX:41,531,030, plus strand): 5'-GGCAGGATGTCAGACATTCGGGGAGGCTGGGCATTACCTGAGGCTCCACGTCCAGTATTG[C>T]AATCAGCCCCTGCTCGTGGATCTTCCGGATGGTCTCCAGTTTTGTCCCATACATCGCATC-3'
Protein context (NP_001354650.1, residues 823-843): IRKIHEQGLI[Ala833Thr]ILDVEPQALK